The following is an entry in ClinVar:

NM_014865.4(NCAPD2):c.1166C>T (p.Thr389Ile)

Gene: NCAPD2 (non-SMC condensin I complex subunit D2; plus strand). Cytogenetic location: 12p13.31.
Variant type: single nucleotide variant.
Coding change: c.1166C>T on transcript NM_014865.4 (MANE Select); coding-DNA position 1166, C replaced by T.
Protein change: p.Thr389Ile; replaces threonine 389 with isoleucine.
Molecular consequence: missense variant.
Genome position (GRCh38, 1-based): chr12:6,517,006, C>T. VCF-style: chr12-6517006-C-T. GRCh37 (hg19) VCF-style: chr12-6626172-C-T.
Other names: short protein forms T389I.
Identifiers: ClinVar variation 1030382 (VCV001030382.1), dbSNP rs576859525, ClinGen allele CA6408314.
Genomic context (GRCh38, chr12:6,517,006, plus strand): 5'-TACAAGCCCATGGCCATGATGTCAACTCCTTTGTGCGGAGCCGTGTTTTGCAGCTCTTCA[C>T]CCGAATTGTCCAGCAGAAGGTAACCAACTTCTATGTGGCAAAAACATATGGTACCTCTCC-3'
Protein context (NP_055680.3, residues 379-399): FVRSRVLQLF[Thr389Ile]RIVQQKALPL

ClinVar aggregate classification (germline): Uncertain significance (1 of 4 stars; one submission).

Conditions:
Microcephaly 21, primary, autosomal recessive. Identifiers: MedGen C4693831, MONDO:0054804, OMIM 617983.

Allele frequency attached by ClinVar (database versions not stated): TOPMed 0.00012; ExAC 0.00015; 1000 Genomes Project 30x 0.00016; 1000 Genomes Project 0.00020.
gnomAD v4.1: 40 of 1,614,106 alleles (0.0025%); highest among the groups gnomAD compares: East Asian, 0.087%; no homozygotes.

Submission:

Baylor Genetics
Classification: Uncertain significance for Microcephaly 21, primary, autosomal recessive. Last evaluated: 2020-09-22. Review status: criteria provided, single submitter. Criteria: ACMG Guidelines, 2015. Collection method: clinical testing. Allele origin: unknown. Affected: yes.
Comment: This variant was determined to be of uncertain significance according to ACMG Guidelines, 2015 [PMID:25741868].